The following is an entry in ClinVar:

ClinVar aggregate classification (germline): Uncertain significance (1 of 4 stars; one submission).

Submission:

Women's Health and Genetics/Laboratory Corporation of America, LabCorp
Classification: Uncertain significance. Last evaluated: 2024-12-26. Review status: criteria provided, single submitter. Criteria: LabCorp Variant Classification Summary - May 2015. Collection method: clinical testing. Allele origin: germline.
Comment: Variant summary: GJB2 c.622A>C (p.Thr208Pro) results in a non-conservative amino acid change in the encoded protein sequence. Four of five in-silico tools predict a damaging effect of the variant on protein function. The variant was absent in 251006 control chromosomes. c.622A>C has been reported in the literature in the compound heterozygous state in individuals affected with Non-Syndromic Hearing Loss (Snoeckx_2005). These data indicate that the variant may be associated with disease. At least one publication reports experimental evidence evaluating an impact on protein function, showing that this variant results in mis-trafficking (Ambrosi_2013). The following publications have been ascertained in the context of this evaluation (PMID: 23967136, 16380907). No submitters have cited clinical-significance assessments for this variant to ClinVar. Based on the evidence outlined above, the variant was classified as VUS-possibly pathogenic.

Literature cited by the submitters: PubMed 16380907; PubMed 23967136.

NM_004004.6(GJB2):c.622A>C (p.Thr208Pro)

Gene: GJB2 (gap junction protein beta 2; minus strand). Cytogenetic location: 13q12.11.
Variant type: single nucleotide variant.
Coding change: c.622A>C on transcript NM_004004.6 (MANE Select); coding-DNA position 622, A replaced by C.
Protein change: p.Thr208Pro; replaces threonine 208 with proline.
Molecular consequence: missense variant.
Genome position (GRCh38, 1-based): chr13:20,188,960, T>G on the plus strand (A>C on the coding strand, the complement: GJB2 is on the minus strand). VCF-style: chr13-20188960-T-G. GRCh37 (hg19) VCF-style: chr13-20763099-T-G.
Other names: short protein forms T208P.
Identifiers: ClinVar variation 3768392 (VCV003768392.1).